The following is an entry in ClinVar:

ClinVar aggregate classification (germline): Likely benign (1 of 4 stars; one submission).

gnomAD v4.1: 4,033 of 1,304,054 alleles (0.31%); highest among the groups gnomAD compares: Non-Finnish European, 0.35%; 6 homozygotes.

Submission:

CeGaT Center for Human Genetics Tuebingen
Classification: Likely benign. Last evaluated: 2024-12-01. Review status: criteria provided, single submitter. Criteria: CeGaT Center For Human Genetics Tuebingen Variant Classification Criteria Version 2. Collection method: clinical testing. Allele origin: germline. Affected: yes. Observed: 1 variant allele.
Comment: DPP7: BP4, BP7

NM_013379.3(DPP7):c.9C>A (p.Ser3=)

Genes: DPP7 (dipeptidyl peptidase 7; minus strand), LOC130003082 (ATAC-STARR-seq lymphoblastoid silent region 20581; plus strand). Cytogenetic location: 9q34.3.
Variant type: single nucleotide variant.
Coding change: c.9C>A on transcript NM_013379.3 (MANE Select); coding-DNA position 9, C replaced by A.
Protein change: p.Ser3=; no amino-acid change (serine 3 retained).
Molecular consequence: synonymous variant.
Genome position (GRCh38, 1-based): chr9:137,114,705, G>T on the plus strand (C>A on the coding strand, the complement: DPP7 is on the minus strand). VCF-style: chr9-137114705-G-T. GRCh37 (hg19) VCF-style: chr9-140009157-G-T.
Identifiers: ClinVar variation 3770659 (VCV003770659.13).